The following is an entry in ClinVar:

ClinVar aggregate classification (germline): Uncertain significance (1 of 4 stars; one submission).

Conditions:
Hereditary cancer-predisposing syndrome. Also called: Neoplastic Syndromes, Hereditary; Hereditary neoplastic syndrome; Tumor predisposition; Hereditary Cancer Syndrome. Identifiers: Orphanet 140162, MedGen C0027672, MeSH D009386, MONDO:0015356.

Submission:

Ambry Genetics
Classification: Uncertain significance for Hereditary cancer-predisposing syndrome. Last evaluated: 2023-01-12. Review status: criteria provided, single submitter. Criteria: Ambry Variant Classification Scheme 2023. Collection method: clinical testing. Allele origin: germline.
Comment: The p.F683V variant (also known as c.2047T>G), located in coding exon 11 of the RET gene, results from a T to G substitution at nucleotide position 2047. The phenylalanine at codon 683 is replaced by valine, an amino acid with highly similar properties. This amino acid position is conserved. In addition, the in silico prediction for this alteration is inconclusive. Since supporting evidence is limited at this time, the clinical significance of this alteration remains unclear.

NM_020975.6(RET):c.2047T>G (p.Phe683Val)

Gene: RET (ret proto-oncogene; plus strand). Cytogenetic location: 10q11.21.
Variant type: single nucleotide variant.
Coding change: c.2047T>G on transcript NM_020975.6 (MANE Select); coding-DNA position 2047, T replaced by G.
Protein change: p.Phe683Val; replaces phenylalanine 683 with valine.
Molecular consequence: missense variant.
Genome position (GRCh38, 1-based): chr10:43,114,647, T>G. VCF-style: chr10-43114647-T-G. GRCh37 (hg19) VCF-style: chr10-43610095-T-G.
Other names: c.2047T>G, p.Phe683Val (NM_000323.2, NM_001406743.1, NM_001406744.1 and 4 more transcripts); c.1285T>G, p.Phe429Val (NM_001355216.2); c.1918T>G, p.Phe640Val (NM_001406761.1, NM_001406762.1, NM_001406764.1); c.1912T>G, p.Phe638Val (NM_001406763.1, NM_001406765.1); c.1759T>G, p.Phe587Val (NM_001406766.1, NM_001406767.1, NM_001406770.1); c.1783T>G, p.Phe595Val (NM_001406768.1); c.1651T>G, p.Phe551Val (NM_001406769.1, NM_001406772.1); c.1609T>G, p.Phe537Val (NM_001406771.1, NM_001406773.1); and 10 more; short protein forms F339V, F344V, F429V, F595V, F683V, F200V, F384V, F587V.
Identifiers: ClinVar variation 2454136 (VCV002454136.2), dbSNP rs2132851584, ClinGen allele CA376553205.